The following is an entry in ClinVar:

NM_000094.4(COL7A1):c.8671C>T (p.Arg2891Cys)

Gene: COL7A1 (collagen type VII alpha 1 chain; minus strand). Cytogenetic location: 3p21.31.
Variant type: single nucleotide variant.
Coding change: c.8671C>T on transcript NM_000094.4 (MANE Select); coding-DNA position 8671, C replaced by T.
Protein change: p.Arg2891Cys; replaces arginine 2891 with cysteine.
Molecular consequence: missense variant.
Genome position (GRCh38, 1-based): chr3:48,564,930, G>A on the plus strand (C>T on the coding strand, the complement: COL7A1 is on the minus strand). VCF-style: chr3-48564930-G-A. GRCh37 (hg19) VCF-style: chr3-48602363-G-A.
Other names: short protein forms R2891C.
Identifiers: ClinVar variation 2418100 (VCV002418100.5), dbSNP rs748706824, ClinGen allele CA2377900.

ClinVar aggregate classification (germline): Uncertain significance (1 of 4 stars; one submission).

Allele frequency attached by ClinVar (database versions not stated): gnomAD exomes 0.00001; ExAC 0.00002; TOPMed 0.00002; gnomAD 0.00003.
gnomAD v4.1: 15 of 1,614,092 alleles (0.00093%); highest among the groups gnomAD compares: African/African-American, 0.0053%; no homozygotes.

Submission:

Labcorp Genetics (formerly Invitae), Labcorp
Classification: Uncertain significance. Last evaluated: 2026-01-12. Review status: criteria provided, single submitter. Criteria: Invitae Variant Classification Sherloc (09022015). Collection method: clinical testing. Allele origin: germline.
Comment: This sequence change replaces arginine, which is basic and polar, with cysteine, which is neutral and slightly polar, at codon 2891 of the COL7A1 protein (p.Arg2891Cys). This variant is present in population databases (rs748706824, gnomAD 0.007%). This variant has not been reported in the literature in individuals affected with COL7A1-related conditions. ClinVar contains an entry for this variant (Variation ID: 2418100). Invitae Evidence Modeling of protein sequence and biophysical properties (such as structural, functional, and spatial information, amino acid conservation, physicochemical variation, residue mobility, and thermodynamic stability) has been performed for this missense variant. However, the output from this modeling did not meet the statistical confidence thresholds required to predict the impact of this variant on COL7A1 protein function. In summary, the available evidence is currently insufficient to determine the role of this variant in disease. Therefore, it has been classified as a Variant of Uncertain Significance.